The following is an entry in ClinVar:

ClinVar aggregate classification (germline): Uncertain significance (1 of 4 stars; one submission).

gnomAD v4.1: 1 of 1,614,114 alleles (0.000062%); highest among the groups gnomAD compares: Admixed American, 0.0017%; no homozygotes.

Submission:

GeneDx
Classification: Uncertain significance. Last evaluated: 2022-10-24. Review status: criteria provided, single submitter. Criteria: GeneDx Variant Classification Process June 2021. Collection method: clinical testing. Allele origin: germline. Affected: yes.
Comment: Not observed at significant frequency in large population cohorts (gnomAD); In silico analysis supports that this missense variant does not alter protein structure/function; Has not been previously published as pathogenic or benign to our knowledge; Variants in candidate genes are classified as variants of uncertain significance in accordance with ACMG guidelines (Richards et al., 2015)

NM_018133.4(MSL2):c.1007C>G (p.Ala336Gly)

Gene: MSL2 (MSL complex subunit 2; minus strand). Cytogenetic location: 3q22.3.
Variant type: single nucleotide variant.
Coding change: c.1007C>G on transcript NM_018133.4 (MANE Select); coding-DNA position 1007, C replaced by G.
Protein change: p.Ala336Gly; replaces alanine 336 with glycine.
Molecular consequence: missense variant.
Genome position (GRCh38, 1-based): chr3:136,151,874, G>C on the plus strand (C>G on the coding strand, the complement: MSL2 is on the minus strand). VCF-style: chr3-136151874-G-C. GRCh37 (hg19) VCF-style: chr3-135870716-G-C.
Other names: c.785C>G, p.Ala262Gly (NM_001145417.2); short protein forms A262G, A336G.
Identifiers: ClinVar variation 3342665 (VCV003342665.1).